The following is an entry in ClinVar:

NM_006947.4(SRP72):c.753A>C (p.Gln251His)

Gene: SRP72 (signal recognition particle 72; plus strand). Cytogenetic location: 4q12.
Variant type: single nucleotide variant.
Coding change: c.753A>C on transcript NM_006947.4 (MANE Select); coding-DNA position 753, A replaced by C.
Protein change: p.Gln251His; replaces glutamine 251 with histidine.
Molecular consequence: missense variant. On other transcripts: non-coding transcript variant (1), intron variant (1).
Genome position (GRCh38, 1-based): chr4:56,478,489, A>C. VCF-style: chr4-56478489-A-C. GRCh37 (hg19) VCF-style: chr4-57344655-A-C.
Other names: c.642+1787A>C (NM_001267722.2); short protein forms Q251H.
Identifiers: ClinVar variation 4174955 (VCV004174955.1).

ClinVar aggregate classification (germline): Uncertain significance (1 of 4 stars; one submission).

Submission:

Ambry Genetics
Classification: Uncertain significance. Last evaluated: 2025-08-01. Review status: criteria provided, single submitter. Criteria: Ambry Variant Classification Scheme 2023. Collection method: clinical testing. Allele origin: germline.
Comment: The p.Q251H variant (also known as c.753A>C), located in coding exon 7 of the SRP72 gene, results from an A to C substitution at nucleotide position 753. The glutamine at codon 251 is replaced by histidine, an amino acid with highly similar properties. This amino acid position is conserved. In addition, the in silico prediction for this alteration is inconclusive. Based on the available evidence, the clinical significance of this variant remains unclear.